The following is an entry in ClinVar:

NM_001382567.1(STIM1):c.1609C>T (p.Pro537Ser)

Gene: STIM1 (stromal interaction molecule 1; plus strand). Cytogenetic location: 11p15.4.
Variant type: single nucleotide variant.
Coding change: c.1609C>T on transcript NM_001382567.1 (MANE Select); coding-DNA position 1609, C replaced by T.
Protein change: p.Pro537Ser; replaces proline 537 with serine.
Molecular consequence: missense variant. On other transcripts: non-coding transcript variant (3).
Genome position (GRCh38, 1-based): chr11:4,086,518, C>T. VCF-style: chr11-4086518-C-T. GRCh37 (hg19) VCF-style: chr11-4107748-C-T.
Other names: c.1516C>T, p.Pro506Ser (NM_001277961.3, NM_001277962.2, NM_003156.4); c.1294C>T, p.Pro432Ser (NM_001382566.1, NM_001382575.1, NM_001382576.1 and 3 more transcripts); c.1537C>T, p.Pro513Ser (NM_001382568.1); c.1381C>T, p.Pro461Ser (NM_001382569.1); c.1288C>T, p.Pro430Ser (NM_001382570.1); c.1036C>T, p.Pro346Ser (NM_001382571.1); c.1027C>T, p.Pro343Ser (NM_001382580.1, NM_001382581.1); short protein forms P343S, P346S, P432S, P537S, P430S, P461S, P506S, P513S.
Identifiers: ClinVar variation 2160268 (VCV002160268.4), dbSNP rs1228842060, ClinGen allele CA379195265.

ClinVar aggregate classification (germline): Uncertain significance (1 of 4 stars; one submission).

Conditions:
Myopathy with tubular aggregates (TAM). Also called: Tubular Aggregate Myopathy. Identifiers: Orphanet 2593, MedGen C0410207, MONDO:0008051.
Stormorken syndrome (STRMK). Also called: THROMBOCYTOPATHY, ASPLENIA, AND MIOSIS. Identifiers: Orphanet 3204, MedGen C1861451, MONDO:0008497, OMIM 185070.
Combined immunodeficiency due to STIM1 deficiency. Also called: IMMUNODEFICIENCY 10; STIM1 DEFICIENCY. Identifiers: Orphanet 169090, Orphanet 317430, MedGen C2748557, MONDO:0013008, OMIM 612783.

Allele frequency attached by ClinVar (database versions not stated): gnomAD 0.00001; gnomAD exomes below 0.00001; TOPMed 0.00001.
gnomAD v4.1: 3 of 1,614,080 alleles (0.00019%); highest among the groups gnomAD compares: Admixed American, 0.005%; no homozygotes.

Submission:

Labcorp Genetics (formerly Invitae), Labcorp
Classification: Uncertain significance for Myopathy with tubular aggregates; Combined immunodeficiency due to STIM1 deficiency; Stormorken syndrome. Last evaluated: 2025-04-27. Review status: criteria provided, single submitter. Criteria: Invitae Variant Classification Sherloc (09022015). Collection method: clinical testing. Allele origin: germline.
Comment: This sequence change replaces proline, which is neutral and non-polar, with serine, which is neutral and polar, at codon 506 of the STIM1 protein (p.Pro506Ser). This variant is present in population databases (no rsID available, gnomAD 0.006%). This variant has not been reported in the literature in individuals affected with STIM1-related conditions. ClinVar contains an entry for this variant (Variation ID: 2160268). Invitae Evidence Modeling of protein sequence and biophysical properties (such as structural, functional, and spatial information, amino acid conservation, physicochemical variation, residue mobility, and thermodynamic stability) indicates that this missense variant is not expected to disrupt STIM1 protein function with a negative predictive value of 95%. In summary, the available evidence is currently insufficient to determine the role of this variant in disease. Therefore, it has been classified as a Variant of Uncertain Significance.